The following is an entry in ClinVar:

NM_001372051.1(CASP8):c.1012T>C (p.Ser338Pro)

Gene: CASP8 (caspase 8; plus strand). Cytogenetic location: 2q33.1.
Variant type: single nucleotide variant.
Coding change: c.1012T>C on transcript NM_001372051.1 (MANE Select); coding-DNA position 1012, T replaced by C.
Protein change: p.Ser338Pro; replaces serine 338 with proline.
Molecular consequence: missense variant. On other transcripts: non-coding transcript variant (22), intron variant (1).
Genome position (GRCh38, 1-based): chr2:201,285,025, T>C. VCF-style: chr2-201285025-T-C. GRCh37 (hg19) VCF-style: chr2-202149748-T-C.
Other names: c.967T>C, p.Ser323Pro (NM_001080124.2, NM_001400658.1, NM_001400659.1 and 5 more transcripts); c.1189T>C, p.Ser397Pro (NM_001080125.2); c.1063T>C, p.Ser355Pro (NM_001228.5); c.1144T>C, p.Ser382Pro (NM_001400642.1); c.1045T>C, p.Ser349Pro (NM_001400645.1); c.1012T>C, p.Ser338Pro (NM_001400648.1, NM_001400651.1, NM_001400653.1 and 5 more transcripts); c.943T>C, p.Ser315Pro (NM_001400664.1); c.937T>C, p.Ser313Pro (NM_001400665.1); and 7 more; short protein forms S338P, S397P, S355P, S323P, S124P, S133P, S139P, S235P.
Identifiers: ClinVar variation 958227 (VCV000958227.10), dbSNP rs771197994, ClinGen allele CA2053738.

ClinVar aggregate classification (germline): Uncertain significance (1 of 4 stars; one submission).

Conditions:
Autoimmune lymphoproliferative syndrome type 2B. Also called: AUTOIMMUNE LYMPHOPROLIFERATIVE SYNDROME, TYPE IIB. Identifiers: Orphanet 275517, MedGen C1846545, MONDO:0011804, OMIM 607271.

Allele frequency attached by ClinVar (database versions not stated): TOPMed below 0.00001; ExAC 0.00001.
gnomAD v4.1: 1 of 1,614,196 alleles (0.000062%); highest among the groups gnomAD compares: Non-Finnish European, 0.000085%; no homozygotes.

Submission:

Labcorp Genetics (formerly Invitae), Labcorp
Classification: Uncertain significance for Autoimmune lymphoproliferative syndrome type 2B. Last evaluated: 2019-09-18. Review status: criteria provided, single submitter. Criteria: Invitae Variant Classification Sherloc (09022015). Collection method: clinical testing. Allele origin: germline.
Comment: In summary, the available evidence is currently insufficient to determine the role of this variant in disease. Therefore, it has been classified as a Variant of Uncertain Significance. Algorithms developed to predict the effect of missense changes on protein structure and function are either unavailable or do not agree on the potential impact of this missense change (SIFT: "Tolerated"; PolyPhen-2: "Probably Damaging"; Align-GVGD: "Class C0"). This variant has not been reported in the literature in individuals with CASP8-related conditions. This variant is present in population databases (rs771197994, ExAC 0.001%). This sequence change replaces serine with proline at codon 355 of the CASP8 protein (p.Ser355Pro). The serine residue is moderately conserved and there is a moderate physicochemical difference between serine and proline.